The following is an entry in ClinVar:

NM_020381.4(PDSS2):c.40C>T (p.Leu14Phe)

Gene: PDSS2 (decaprenyl diphosphate synthase subunit 2; minus strand). Cytogenetic location: 6q21.
Variant type: single nucleotide variant.
Coding change: c.40C>T on transcript NM_020381.4 (MANE Select); coding-DNA position 40, C replaced by T.
Protein change: p.Leu14Phe; replaces leucine 14 with phenylalanine.
Molecular consequence: missense variant.
Genome position (GRCh38, 1-based): chr6:107,459,246, G>A on the plus strand (C>T on the coding strand, the complement: PDSS2 is on the minus strand). VCF-style: chr6-107459246-G-A. GRCh37 (hg19) VCF-style: chr6-107780450-G-A.
Other names: short protein forms L14F.
Identifiers: ClinVar variation 3713777 (VCV003713777.2).

ClinVar aggregate classification (germline): Uncertain significance (1 of 4 stars; one submission).

gnomAD v4.1: 2 of 1,614,180 alleles (0.00012%); highest among the groups gnomAD compares: South Asian, 0.0022%; no homozygotes.

Submission:

Labcorp Genetics (formerly Invitae), Labcorp
Classification: Uncertain significance. Last evaluated: 2024-03-27. Review status: criteria provided, single submitter. Criteria: Invitae Variant Classification Sherloc (09022015). Collection method: clinical testing. Allele origin: germline.
Comment: This sequence change replaces leucine, which is neutral and non-polar, with phenylalanine, which is neutral and non-polar, at codon 14 of the PDSS2 protein (p.Leu14Phe). This variant is present in population databases (rs748185845, gnomAD 0.006%). This variant has not been reported in the literature in individuals affected with PDSS2-related conditions. Algorithms developed to predict the effect of missense changes on protein structure and function output the following: SIFT: "Not Available"; PolyPhen-2: "Benign"; Align-GVGD: "Not Available". The phenylalanine amino acid residue is found in multiple mammalian species, which suggests that this missense change does not adversely affect protein function. In summary, the available evidence is currently insufficient to determine the role of this variant in disease. Therefore, it has been classified as a Variant of Uncertain Significance.